The following is an entry in ClinVar:

NM_006767.4(LZTR1):c.1616-8G>A

Gene: LZTR1 (leucine zipper like post translational regulator 1; plus strand). Cytogenetic location: 22q11.21.
Variant type: single nucleotide variant.
Coding change: c.1616-8G>A on transcript NM_006767.4 (MANE Select); 8 bases into the intron before coding-DNA position 1616, G replaced by A.
Molecular consequence: intron variant.
Genome position (GRCh38, 1-based): chr22:20,994,550, G>A. VCF-style: chr22-20994550-G-A. GRCh37 (hg19) VCF-style: chr22-21348839-G-A.
Identifiers: ClinVar variation 1461195 (VCV001461195.7), dbSNP rs750618522, ClinGen allele CA638942498.
Genomic context (GRCh38, chr22:20,994,550, plus strand): 5'-GAGCCCTGCGCCCTGTGCCCTGCCCTCCCCTCTCCGGCTCCCTGAGATTCGGGGGCTCTG[G>A]GGCGCAGGCCATGTGGAGGATGTGCTGCTCATCATGGATGTGTACAAACTGGCACTGAGC-3'

ClinVar aggregate classification (germline): Uncertain significance. Review status: criteria provided, multiple submitters, no conflicts (2 of 4 stars). 3 submissions from 3 submitters: Uncertain significance (3). Last evaluated 2025-10-31.

Conditions:
LZTR1-related schwannomatosis. Also called: Schwannomatosis-2, susceptibility to; Schwannomatosis 2. Identifiers: Orphanet 93921, MedGen C3810283, MONDO:0014299, OMIM 615670.

Allele frequency attached by ClinVar (database versions not stated): TOPMed below 0.00001.
gnomAD v4.1: 2 of 1,606,904 alleles (0.00012%); highest among the groups gnomAD compares: Admixed American, 0.0017%; no homozygotes.

Submissions (3):

Labcorp Genetics (formerly Invitae), Labcorp
Classification: Uncertain significance. Last evaluated: 2025-10-31. Review status: criteria provided, single submitter. Criteria: Invitae Variant Classification Sherloc (09022015). Collection method: clinical testing. Allele origin: germline.
Comment: This sequence change falls in intron 14 of the LZTR1 gene. It does not directly change the encoded amino acid sequence of the LZTR1 protein. This variant is present in population databases (no rsID available, gnomAD 0.003%). This variant has been observed in individual(s) with hypertrophic cardiomyopathy (PMID: 39472908). ClinVar contains an entry for this variant (Variation ID: 1461195). Algorithms developed to predict the effect of sequence changes on RNA splicing suggest that this variant may disrupt the consensus splice site. In summary, the available evidence is currently insufficient to determine the role of this variant in disease. Therefore, it has been classified as a Variant of Uncertain Significance.

Baylor Genetics
Classification: Uncertain significance for LZTR1-related schwannomatosis. Last evaluated: 2024-03-04. Review status: criteria provided, single submitter. Criteria: ACMG Guidelines, 2015. Collection method: clinical testing. Allele origin: unknown.

GeneDx
Classification: Uncertain significance. Last evaluated: 2022-08-29. Review status: criteria provided, single submitter. Criteria: GeneDx Variant Classification Process June 2021. Collection method: clinical testing. Allele origin: germline. Affected: yes.
Comment: Not observed at significant frequency in large population cohorts (gnomAD); In silico analysis supports a deleterious effect on splicing; Has not been previously published as pathogenic or benign to our knowledge

Literature cited by the submitters: PubMed 39472908 (cited by Labcorp Genetics (formerly Invitae), Labcorp).